The following is an entry in ClinVar:

NM_005215.4(DCC):c.2000G>A (p.Arg667His)

Gene: DCC (DCC netrin 1 receptor; plus strand). Cytogenetic location: 18q21.2.
Variant type: single nucleotide variant.
Coding change: c.2000G>A on transcript NM_005215.4 (MANE Select); coding-DNA position 2000, G replaced by A.
Protein change: p.Arg667His; replaces arginine 667 with histidine.
Molecular consequence: missense variant.
Genome position (GRCh38, 1-based): chr18:53,305,666, G>A. VCF-style: chr18-53305666-G-A. GRCh37 (hg19) VCF-style: chr18-50832036-G-A.
Other names: short protein forms R667H.
Identifiers: ClinVar variation 187791 (VCV000187791.30), dbSNP rs200099519, ClinGen allele CA347150.

ClinVar aggregate classification (germline): Benign/Likely benign. Review status: criteria provided, multiple submitters, no conflicts (2 of 4 stars). 4 submissions from 4 submitters: Benign (2); Likely benign (1). 1 of the submissions does not count toward it. Last evaluated 2023-10-01.

Conditions:
Mirror movements 1 (MRMV1). Identifiers: Orphanet 238722, MedGen C1834870, OMIM 157600, MONDO:0008002.

Allele frequency attached by ClinVar (database versions not stated): 1000 Genomes Project 0.00200; gnomAD 0.00013; gnomAD exomes 0.00145; TOPMed 0.00019; ExAC 0.00160; 1000 Genomes Project 30x 0.00203.
gnomAD v4.1: 1,284 of 1,613,934 alleles (0.08%); highest among the groups gnomAD compares: Middle Eastern, 1.1%; 12 homozygotes.

Submissions (4):

CeGaT Center for Human Genetics Tuebingen
Classification: Likely benign. Last evaluated: 2023-10-01. Review status: criteria provided, single submitter. Criteria: CeGaT Center For Human Genetics Tuebingen Variant Classification Criteria Version 2. Collection method: clinical testing. Allele origin: germline. Affected: yes. Observed: 1 variant allele.
Comment: DCC: BS2

Labcorp Genetics (formerly Invitae), Labcorp
Classification: Benign. Last evaluated: 2019-12-31. Review status: criteria provided, single submitter. Criteria: Invitae Variant Classification Sherloc (09022015). Collection method: clinical testing. Allele origin: germline.

Breakthrough Genomics
Classification: Benign. Review status: criteria provided, single submitter. Criteria: ACMG Guidelines, 2015. Collection method: not provided. Allele origin: germline. Inheritance: Autosomal recessive inheritance. Affected: yes.

GeneReviews
No classification provided. Condition: Mirror movements 1. Review status: no classification provided. Collection method: literature only. Allele origin: germline. Affected: yes. Not counted in ClinVar's aggregate classification.
Comment: May be associated with a higher risk of CMM.

Literature cited by the submitters: PubMed 24808016 (cited by GeneReviews); NCBI Bookshelf NBK279760 (cited by GeneReviews).